The following is an entry in ClinVar:

NM_001126108.2(SLC12A3):c.1395C>T (p.Thr465=)

Gene: SLC12A3 (solute carrier family 12 member 3; plus strand). Cytogenetic location: 16q13.
Variant type: single nucleotide variant.
Coding change: c.1395C>T on transcript NM_001126108.2 (MANE Select); coding-DNA position 1395, C replaced by T.
Protein change: p.Thr465=; no amino-acid change (threonine 465 retained).
Molecular consequence: synonymous variant.
Genome position (GRCh38, 1-based): chr16:56,879,601, C>T. VCF-style: chr16-56879601-C-T. GRCh37 (hg19) VCF-style: chr16-56913513-C-T.
Other names: p.Thr465=; c.1395C>T, p.Thr465= (NM_000339.3); c.1392C>T, p.Thr464= (NM_001126107.2).
Identifiers: ClinVar variation 255879 (VCV000255879.26), dbSNP rs5801, ClinGen allele CA8069455.

ClinVar aggregate classification (germline): Benign. Review status: criteria provided, multiple submitters, no conflicts (2 of 4 stars). 12 submissions from 12 submitters: Benign (9). 3 of the submissions do not count toward it. Last evaluated 2026-02-02.

Conditions:
Familial hypokalemia-hypomagnesemia (GTLMNS). Also called: gitelman syndrome; POTASSIUM AND MAGNESIUM DEPLETION; HYPOMAGNESEMIA-HYPOKALEMIA, PRIMARY RENOTUBULAR, WITH HYPOCALCIURIA. Identifiers: Orphanet 358, MedGen C0268450, MONDO:0009904, OMIM 263800.

Allele frequency attached by ClinVar (database versions not stated): 1000 Genomes Project 0.13958; 1000 Genomes Project 30x 0.14319; TOPMed 0.14425; ESP Exome Variant Server 0.14989; gnomAD 0.15047 and 0.15318.
gnomAD v4.1: 226,399 of 1,613,202 alleles (14%); highest among the groups gnomAD compares: African/African-American, 16%; 16,534 homozygotes.

Submissions (12):

Labcorp Genetics (formerly Invitae), Labcorp
Classification: Benign. Last evaluated: 2026-02-02. Review status: criteria provided, single submitter. Criteria: Invitae Variant Classification Sherloc (09022015). Collection method: clinical testing. Allele origin: germline.

Blueprint Genetics
Classification: Benign. Last evaluated: 2024-11-27. Review status: criteria provided, single submitter. Criteria: ACMG Guidelines, 2015. Collection method: clinical testing. Allele origin: germline.

Mayo Clinic Laboratories, Mayo Clinic
Classification: Benign. Last evaluated: 2022-03-09. Review status: criteria provided, single submitter. Criteria: ACMG Guidelines, 2015. Collection method: clinical testing. Allele origin: germline. Observed: 52 variant alleles.

Genome-Nilou Lab
Classification: Benign for Familial hypokalemia-hypomagnesemia. Last evaluated: 2021-07-10. Review status: criteria provided, single submitter. Criteria: ACMG Guidelines, 2015. Collection method: clinical testing. Allele origin: germline. Affected: no.

GeneDx
Classification: Benign. Last evaluated: 2019-10-02. Review status: criteria provided, single submitter. Criteria: GeneDx Variant Classification Process June 2021. Collection method: clinical testing. Allele origin: germline. Affected: yes.

Illumina Laboratory Services, Illumina
Classification: Benign for Familial hypokalemia-hypomagnesemia. Last evaluated: 2018-01-12. Review status: criteria provided, single submitter. Criteria: ICSL Variant Classification Criteria 13 December 2019. Collection method: clinical testing. Allele origin: germline.
Comment: This variant was observed in the ICSL laboratory as part of a predisposition screen in an ostensibly healthy population. It had not been previously curated by ICSL or reported in the Human Gene Mutation Database (HGMD: prior to June 1st, 2018), and was therefore a candidate for classification through an automated scoring system. Utilizing variant allele frequency, disease prevalence and penetrance estimates, and inheritance mode, an automated score was calculated to assess if this variant is too frequent to cause the disease. Based on the score and internal cut-off values, a variant classified as benign is not then subjected to further curation. The score for this variant resulted in a classification of benign for this disease.

Athena Diagnostics
Classification: Benign for Familial hypokalemia-hypomagnesemia. Last evaluated: 2017-06-29. Review status: criteria provided, single submitter. Criteria: Athena Diagnostics Criteria. Collection method: clinical testing. Allele origin: germline.

Breakthrough Genomics
Classification: Benign. Review status: criteria provided, single submitter. Criteria: ACMG Guidelines, 2015. Collection method: not provided. Allele origin: germline. Inheritance: Autosomal recessive inheritance. Affected: yes.

PreventionGenetics, part of Exact Sciences
Classification: Benign. Review status: criteria provided, single submitter. Criteria: ACMG Guidelines, 2015. Collection method: clinical testing. Allele origin: germline.

Natera, Inc.
Classification: Benign for Gitelman syndrome. Last evaluated: 2020-09-16. Review status: no assertion criteria provided. Collection method: clinical testing. Allele origin: germline. Not counted in ClinVar's aggregate classification.

Genome Diagnostics Laboratory, University Medical Center Utrecht
Classification: Benign. Review status: no assertion criteria provided. Collection method: clinical testing. Allele origin: germline. Affected: yes. Study: VKGL Data-share Consensus. Not counted in ClinVar's aggregate classification.

Joint Genome Diagnostic Labs from Nijmegen and Maastricht, Radboudumc and MUMC+
Classification: Benign. Review status: no assertion criteria provided. Collection method: clinical testing. Allele origin: germline. Affected: yes. Study: VKGL Data-share Consensus. Not counted in ClinVar's aggregate classification.